The following is an entry in ClinVar:

ClinVar aggregate classification (germline): Uncertain significance (1 of 4 stars; one submission).

Conditions:
Nephronophthisis 15 (NPHP15). Identifiers: Orphanet 3156, MedGen C3541853, MONDO:0013917, OMIM 614845.

Submission:

Labcorp Genetics (formerly Invitae), Labcorp
Classification: Uncertain significance for Nephronophthisis 15. Last evaluated: 2022-04-14. Review status: criteria provided, single submitter. Criteria: Invitae Variant Classification Sherloc (09022015). Collection method: clinical testing. Allele origin: germline.
Comment: Algorithms developed to predict the effect of missense changes on protein structure and function are either unavailable or do not agree on the potential impact of this missense change (SIFT: "Deleterious"; PolyPhen-2: "Probably Damaging"; Align-GVGD: "Class C15"). In summary, the available evidence is currently insufficient to determine the role of this variant in disease. Therefore, it has been classified as a Variant of Uncertain Significance. This variant has not been reported in the literature in individuals affected with CEP164-related conditions. This variant is not present in population databases (gnomAD no frequency). This sequence change replaces arginine, which is basic and polar, with proline, which is neutral and non-polar, at codon 776 of the CEP164 protein (p.Arg776Pro).

NM_014956.5(CEP164):c.2327G>C (p.Arg776Pro)

Gene: CEP164 (centrosomal protein 164; plus strand). Cytogenetic location: 11q23.3.
Variant type: single nucleotide variant.
Coding change: c.2327G>C on transcript NM_014956.5 (MANE Select); coding-DNA position 2327, G replaced by C.
Protein change: p.Arg776Pro; replaces arginine 776 with proline.
Molecular consequence: missense variant.
Genome position (GRCh38, 1-based): chr11:117,392,269, G>C. VCF-style: chr11-117392269-G-C. GRCh37 (hg19) VCF-style: chr11-117262985-G-C.
Other names: c.2336G>C, p.Arg779Pro (NM_001271933.2); short protein forms R776P, R779P.
Identifiers: ClinVar variation 2123187 (VCV002123187.4), dbSNP rs781479000, ClinGen allele CA382725184.